The following is an entry in ClinVar:

NM_006231.4(POLE):c.3332G>T (p.Arg1111Leu)

Gene: POLE (DNA polymerase epsilon, catalytic subunit; minus strand). Cytogenetic location: 12q24.33.
Variant type: single nucleotide variant.
Coding change: c.3332G>T on transcript NM_006231.4 (MANE Select); coding-DNA position 3332, G replaced by T.
Protein change: p.Arg1111Leu; replaces arginine 1111 with leucine.
Molecular consequence: missense variant.
Genome position (GRCh38, 1-based): chr12:132,657,914, C>A on the plus strand (G>T on the coding strand, the complement: POLE is on the minus strand). VCF-style: chr12-132657914-C-A. GRCh37 (hg19) VCF-style: chr12-133234500-C-A.
Other names: short protein forms R1111L.
Identifiers: ClinVar variation 1312616 (VCV001312616.14), dbSNP rs114315196, ClinGen allele CA6893276.
Genomic context (GRCh38, chr12:132,657,914, plus strand): 5'-CAACTGGCACTCACTGCTCGAATATCAAAGTCTTGAAGGGAAGAGCTCTTGAGCCATTTC[C>A]GGAGAAAGTGCTTCCTCACCGTGGGCTCTGCTTGGAAAATGGCAAGTGGGATGGCCCTGG-3'
Protein context (NP_006222.2, residues 1101-1121): AEPTVRKHFL[Arg1111Leu]KWLKSSSLQD

ClinVar aggregate classification (germline): Uncertain significance. Review status: criteria provided, multiple submitters, no conflicts (2 of 4 stars). 3 submissions from 3 submitters: Uncertain significance (3). Last evaluated 2025-12-21.

Conditions:
Hereditary cancer-predisposing syndrome. Also called: Tumor predisposition; Neoplastic Syndromes, Hereditary; Hereditary Cancer Syndrome; Hereditary neoplastic syndrome. Identifiers: Orphanet 140162, MedGen C0027672, MeSH D009386, MONDO:0015356.

Allele frequency attached by ClinVar (database versions not stated): gnomAD 0.00001; 1000 Genomes Project 30x 0.00031; 1000 Genomes Project 0.00040.
gnomAD v4.1: 5 of 1,614,138 alleles (0.00031%); highest among the groups gnomAD compares: African/African-American, 0.0027%; no homozygotes.

Submissions (3):

Labcorp Genetics (formerly Invitae), Labcorp
Classification: Uncertain significance. Last evaluated: 2025-12-21. Review status: criteria provided, single submitter. Criteria: Invitae Variant Classification Sherloc (09022015). Collection method: clinical testing. Allele origin: germline.
Comment: This sequence change replaces arginine, which is basic and polar, with leucine, which is neutral and non-polar, at codon 1111 of the POLE protein (p.Arg1111Leu). This variant is present in population databases (rs114315196, gnomAD 0.008%). This variant has not been reported in the literature in individuals affected with POLE-related conditions. ClinVar contains an entry for this variant (Variation ID: 1312616). Invitae Evidence Modeling of protein sequence and biophysical properties (such as structural, functional, and spatial information, amino acid conservation, physicochemical variation, residue mobility, and thermodynamic stability) indicates that this missense variant is expected to disrupt POLE protein function with a positive predictive value of 80%. In summary, the available evidence is currently insufficient to determine the role of this variant in disease. Therefore, it has been classified as a Variant of Uncertain Significance.

Ambry Genetics
Classification: Uncertain significance for Hereditary cancer-predisposing syndrome. Last evaluated: 2024-03-20. Review status: criteria provided, single submitter. Criteria: Ambry Variant Classification Scheme 2023. Collection method: clinical testing. Allele origin: germline.
Comment: The p.R1111L variant (also known as c.3332G>T), located in coding exon 27 of the POLE gene, results from a G to T substitution at nucleotide position 3332. The arginine at codon 1111 is replaced by leucine, an amino acid with dissimilar properties. This amino acid position is conserved. In addition, the in silico prediction for this alteration is inconclusive. Since supporting evidence is limited at this time, the clinical significance of this alteration remains unclear.

GeneDx
Classification: Uncertain significance. Last evaluated: 2020-04-06. Review status: criteria provided, single submitter. Criteria: GeneDx Variant Classification Process June 2021. Collection method: clinical testing. Allele origin: germline. Affected: yes.
Comment: In silico analysis supports that this missense variant has a deleterious effect on protein structure/function; Has not been previously published as pathogenic or benign to our knowledge